The following is an entry in ClinVar:

NM_003791.4(MBTPS1):c.2962+4A>T

Gene: MBTPS1 (membrane bound transcription factor peptidase, site 1; minus strand). Cytogenetic location: 16q23.3.
Variant type: single nucleotide variant.
Coding change: c.2962+4A>T on transcript NM_003791.4 (MANE Select); 4 bases into the intron after coding-DNA position 2962, A replaced by T.
Molecular consequence: intron variant.
Genome position (GRCh38, 1-based): chr16:84,056,001, T>A on the plus strand (A>T on the coding strand, the complement: MBTPS1 is on the minus strand). VCF-style: chr16-84056001-T-A. GRCh37 (hg19) VCF-style: chr16-84089606-T-A.
Identifiers: ClinVar variation 2096591 (VCV002096591.4), dbSNP rs2507709619, ClinGen allele CA2580092182.
Genomic context (GRCh38, chr16:84,056,001, plus strand): 5'-GGGAGACTCCTTTGAACAAAATACAGGATGACTGAGCACAATCACAAAGCAGCCGAGAAC[T>A]CACCTCCAGGAATGTCCCAGGCGCCGCTCTCTCCAGGGGACAAGGGCCTCACTTGAGGGC-3'

ClinVar aggregate classification (germline): Uncertain significance (1 of 4 stars; one submission).

Submission:

Labcorp Genetics (formerly Invitae), Labcorp
Classification: Uncertain significance. Last evaluated: 2023-12-07. Review status: criteria provided, single submitter. Criteria: Invitae Variant Classification Sherloc (09022015). Collection method: clinical testing. Allele origin: germline.
Comment: This sequence change falls in intron 22 of the MBTPS1 gene. It does not directly change the encoded amino acid sequence of the MBTPS1 protein. It affects a nucleotide within the consensus splice site. This variant is not present in population databases (gnomAD no frequency). This variant has not been reported in the literature in individuals affected with MBTPS1-related conditions. ClinVar contains an entry for this variant (Variation ID: 2096591). Variants that disrupt the consensus splice site are a relatively common cause of aberrant splicing (PMID: 17576681, 9536098). Algorithms developed to predict the effect of sequence changes on RNA splicing suggest that this variant may disrupt the consensus splice site. In summary, the available evidence is currently insufficient to determine the role of this variant in disease. Therefore, it has been classified as a Variant of Uncertain Significance.

Literature cited by the submitters: PubMed 17576681; PubMed 9536098.